The following is an entry in ClinVar:

NM_001122764.3(PPOX):c.884T>C (p.Leu295Pro)

Gene: PPOX (protoporphyrinogen oxidase; plus strand). Cytogenetic location: 1q23.3.
Variant type: single nucleotide variant.
Coding change: c.884T>C on transcript NM_001122764.3 (MANE Select); coding-DNA position 884, T replaced by C.
Protein change: p.Leu295Pro; replaces leucine 295 with proline.
Molecular consequence: missense variant.
Genome position (GRCh38, 1-based): chr1:161,169,921, T>C. VCF-style: chr1-161169921-T-C. GRCh37 (hg19) VCF-style: chr1-161139711-T-C.
Other names: p.Leu295Pro; c.884T>C, p.Leu295Pro (NM_000309.5, NM_001365398.1, NM_001365399.1); c.785T>C, p.Leu262Pro (NM_001350128.2); c.476T>C, p.Leu159Pro (NM_001350129.2, NM_001365400.1); c.398T>C, p.Leu133Pro (NM_001350130.2, NM_001350131.2, NM_001365401.1); short protein forms L295P, L159P, L133P, L262P.
Identifiers: ClinVar variation 4541816 (VCV004541816.1).

ClinVar aggregate classification (germline): Pathogenic (1 of 4 stars; one submission).

gnomAD v4.1: 2 of 1,614,182 alleles (0.00012%); highest among the groups gnomAD compares: Non-Finnish European, 0.00017%; no homozygotes.

Submission:

Mayo Clinic Laboratories, Mayo Clinic
Classification: Pathogenic. Last evaluated: 2025-05-05. Review status: criteria provided, single submitter. Criteria: ACMG Guidelines, 2015. Collection method: clinical testing. Allele origin: germline. Observed: 2 variant alleles.
Comment: PP3_moderate, PP4, PM2_supporting, PS3, PS4_moderate

Literature cited by the submitters: PubMed 10486317; PubMed 11929051; PubMed 19460837; PubMed 21048046.